The following is an entry in ClinVar:

NM_001270974.2(HYDIN):c.9912C>T (p.Ser3304=)

Gene: HYDIN (HYDIN axonemal central pair apparatus protein; minus strand). Cytogenetic location: 16q22.2.
Variant type: single nucleotide variant.
Coding change: c.9912C>T on transcript NM_001270974.2 (MANE Select); coding-DNA position 9912, C replaced by T.
Protein change: p.Ser3304=; no amino-acid change (serine 3304 retained).
Molecular consequence: synonymous variant.
Genome position (GRCh38, 1-based): chr16:70,883,987, G>A on the plus strand (C>T on the coding strand, the complement: HYDIN is on the minus strand). VCF-style: chr16-70883987-G-A. GRCh37 (hg19) VCF-style: chr16-70917890-G-A.
Identifiers: ClinVar variation 2646723 (VCV002646723.24), dbSNP rs372857088, ClinGen allele CA8149443.

ClinVar aggregate classification (germline): Likely benign (1 of 4 stars; one submission).

Allele frequency attached by ClinVar (database versions not stated): ExAC 0.00004; ESP Exome Variant Server 0.00008; TOPMed 0.00019; gnomAD 0.00020; 1000 Genomes Project 30x 0.00047; 1000 Genomes Project 0.00060.
gnomAD v4.1: 154 of 1,614,146 alleles (0.0095%); highest among the groups gnomAD compares: Admixed American, 0.068%; no homozygotes.

Submission:

CeGaT Center for Human Genetics Tuebingen
Classification: Likely benign. Last evaluated: 2023-09-01. Review status: criteria provided, single submitter. Criteria: CeGaT Center For Human Genetics Tuebingen Variant Classification Criteria Version 2. Collection method: clinical testing. Allele origin: germline. Affected: yes. Observed: 1 variant allele.
Comment: HYDIN: BP4, BP7